The following is an entry in ClinVar:

NM_001458.5(FLNC):c.3722G>A (p.Arg1241His)

Gene: FLNC (filamin C; plus strand). Cytogenetic location: 7q32.1.
Variant type: single nucleotide variant.
Coding change: c.3722G>A on transcript NM_001458.5 (MANE Select); coding-DNA position 3722, G replaced by A.
Protein change: p.Arg1241His; replaces arginine 1241 with histidine.
Molecular consequence: missense variant.
Genome position (GRCh38, 1-based): chr7:128,845,187, G>A. VCF-style: chr7-128845187-G-A. GRCh37 (hg19) VCF-style: chr7-128485241-G-A.
Other names: c.3722G>A, p.Arg1241His (NM_001127487.2); short protein forms R1241H.
Identifiers: ClinVar variation 966556 (VCV000966556.14), dbSNP rs370520806, ClinGen allele CA4475107.

ClinVar aggregate classification (germline): Conflicting classifications of pathogenicity. Review status: criteria provided, conflicting classifications (1 of 4 stars). 4 submissions from 4 submitters: Uncertain significance (3); Likely benign (1). Last evaluated 2026-08-26.

Conditions:
Hypertrophic cardiomyopathy 26. Also called: Cardiomyopathy, familial hypertrophic, 26. Identifiers: Orphanet 75249, MedGen C4310749, MONDO:0014883, OMIM 617047.
Distal myopathy with posterior leg and anterior hand involvement. Also called: WILLIAMS DISTAL MYOPATHY. Identifiers: Orphanet 63273, MedGen C3279722, MONDO:0013550, OMIM 614065.
Myofibrillar myopathy 5. Also called: Filaminopathy (type); FILAMINOPATHY, AUTOSOMAL DOMINANT. Identifiers: Orphanet 171445, MedGen C1836050, MONDO:0012289, OMIM 609524.
FLNC-related disorder. Also called: FLNC-related condition; FLNC-related disorders.
Cardiovascular phenotype. Identifiers: MedGen CN230736.

Allele frequency attached by ClinVar (database versions not stated): TOPMed 0.00002; gnomAD exomes 0.00003 and 0.00006; gnomAD 0.00004 and 0.00005; ExAC 0.00007; ESP Exome Variant Server 0.00008.
gnomAD v4.1: 58 of 1,613,890 alleles (0.0036%); highest among the groups gnomAD compares: Middle Eastern, 0.049%; 1 homozygote.

Submissions (4):

PreventionGenetics, part of Exact Sciences
Classification: Uncertain significance for FLNC-related condition. Last evaluated: 2026-08-26. Review status: criteria provided, single submitter. Criteria: ACMG Guidelines, 2015. Collection method: clinical testing. Allele origin: germline.
Comment: The FLNC c.3722G>A variant is predicted to result in the amino acid substitution p.Arg1241His. To our knowledge, this variant has not been reported in the literature. This variant is reported in 0.033% of alleles in individuals of South Asian descent in gnomAD. At this time, the clinical significance of this variant is uncertain due to the absence of conclusive functional and genetic evidence.

Labcorp Genetics (formerly Invitae), Labcorp
Classification: Likely benign for Distal myopathy with posterior leg and anterior hand involvement; Myofibrillar myopathy 5; Hypertrophic cardiomyopathy 26. Last evaluated: 2025-11-25. Review status: criteria provided, single submitter. Criteria: Invitae Variant Classification Sherloc (09022015). Collection method: clinical testing. Allele origin: germline.

Ambry Genetics
Classification: Uncertain significance for Cardiovascular phenotype. Last evaluated: 2024-11-27. Review status: criteria provided, single submitter. Criteria: Ambry Variant Classification Scheme 2023. Collection method: clinical testing. Allele origin: germline.
Comment: The p.R1241H variant (also known as c.3722G>A), located in coding exon 21 of the FLNC gene, results from a G to A substitution at nucleotide position 3722. The arginine at codon 1241 is replaced by histidine, an amino acid with highly similar properties. This amino acid position is conserved. In addition, this alteration is predicted to be tolerated by in silico analysis. Since supporting evidence is limited at this time, the clinical significance of this alteration remains unclear.

Fulgent Genetics
Classification: Uncertain significance for Myofibrillar myopathy 5; Distal myopathy with posterior leg and anterior hand involvement; Hypertrophic cardiomyopathy 26. Last evaluated: 2021-10-21. Review status: criteria provided, single submitter. Criteria: ACMG Guidelines, 2015. Collection method: clinical testing. Allele origin: unknown.